The following is an entry in ClinVar:

NM_001148.6(ANK2):c.8647T>G (p.Phe2883Val)

Gene: ANK2 (ankyrin 2; plus strand). Cytogenetic location: 4q26.
Variant type: single nucleotide variant.
Coding change: c.8647T>G on transcript NM_001148.6 (MANE Select); coding-DNA position 8647, T replaced by G.
Protein change: p.Phe2883Val; replaces phenylalanine 2883 with valine.
Molecular consequence: missense variant. On other transcripts: intron variant (68).
Genome position (GRCh38, 1-based): chr4:113,357,265, T>G. VCF-style: chr4-113357265-T-G. GRCh37 (hg19) VCF-style: chr4-114278421-T-G.
Other names: c.8413T>G, p.Phe2805Val (NM_001386142.1); c.5047T>G, p.Phe1683Val (NM_001386166.1); c.8788T>G, p.Phe2930Val (NM_001386174.1); c.8764T>G, p.Phe2922Val (NM_001386175.1); c.4412-3558T>G (NM_001386186.2, NM_001386148.2); c.4214-3558T>G (NM_001354269.3); c.4292-3558T>G (NM_001386187.2); c.4253-3558T>G (NM_001386147.1); and 35 more; short protein forms F2883V, F1683V, F2805V, F2922V, F2930V.
Identifiers: ClinVar variation 519530 (VCV000519530.12), dbSNP rs778307564, ClinGen allele CA3051804.

ClinVar aggregate classification (germline): Conflicting classifications of pathogenicity. Review status: criteria provided, conflicting classifications (1 of 4 stars). 3 submissions from 3 submitters: Uncertain significance (1); Likely benign (1). 1 of the submissions does not count toward it. Last evaluated 2025-11-28.

Conditions:
Long QT syndrome (LQTS). Identifiers: MedGen C0023976, MeSH D008133, MONDO:0002442. Disease mechanism: loss of function. Inheritance: Various modes of inheritance.
Cardiac arrhythmia, ankyrin-B-related. Also called: ANKYRIN-B SYNDROME. Identifiers: Orphanet 101016, Orphanet 768, MedGen C1970119, MONDO:0010958, OMIM 600919.
Cardiovascular phenotype. Identifiers: MedGen CN230736.

Allele frequency attached by ClinVar (database versions not stated): gnomAD 0.00004; gnomAD exomes 0.00004 and 0.00008; TOPMed 0.00004; ExAC 0.00014.
gnomAD v4.1: 63 of 1,613,918 alleles (0.0039%); highest among the groups gnomAD compares: South Asian, 0.0044%; 1 homozygote.

Submissions (3):

Labcorp Genetics (formerly Invitae), Labcorp
Classification: Uncertain significance for Long QT syndrome. Last evaluated: 2025-11-28. Review status: criteria provided, single submitter. Criteria: Invitae Variant Classification Sherloc (09022015). Collection method: clinical testing. Allele origin: germline.
Comment: This sequence change replaces phenylalanine, which is neutral and non-polar, with valine, which is neutral and non-polar, at codon 2883 of the ANK2 protein (p.Phe2883Val). This variant is present in population databases (rs778307564, gnomAD 0.01%). This variant has not been reported in the literature in individuals affected with ANK2-related conditions. ClinVar contains an entry for this variant (Variation ID: 519530). An algorithm developed to predict the effect of missense changes on protein structure and function (PolyPhen-2) suggests that this variant is likely to be tolerated. In summary, the available evidence is currently insufficient to determine the role of this variant in disease. Therefore, it has been classified as a Variant of Uncertain Significance.

Ambry Genetics
Classification: Likely benign for Cardiovascular phenotype. Last evaluated: 2024-08-04. Review status: criteria provided, single submitter. Criteria: Ambry Variant Classification Scheme 2023. Collection method: clinical testing. Allele origin: germline.

Zotz-Klimas Genetics Lab, MVZ Zotz Klimas
Classification: Uncertain significance for Cardiac arrhythmia, ankyrin-B-related. Last evaluated: 2023-10-09. Review status: no assertion criteria provided. Collection method: clinical testing. Allele origin: germline. Affected: yes. Not counted in ClinVar's aggregate classification.